The following is an entry in ClinVar:

NM_014336.5(AIPL1):c.636G>C (p.Gln212His)

Gene: AIPL1 (AIP like 1 HSP90 co-chaperone; minus strand). Cytogenetic location: 17p13.2.
Variant type: single nucleotide variant.
Coding change: c.636G>C on transcript NM_014336.5 (MANE Select); coding-DNA position 636, G replaced by C.
Protein change: p.Gln212His; replaces glutamine 212 with histidine.
Molecular consequence: missense variant.
Genome position (GRCh38, 1-based): chr17:6,426,887, C>G on the plus strand (G>C on the coding strand, the complement: AIPL1 is on the minus strand). VCF-style: chr17-6426887-C-G. GRCh37 (hg19) VCF-style: chr17-6330207-C-G.
Other names: c.447G>C, p.Gln149His (NM_001033054.3); c.456G>C, p.Gln152His (NM_001033055.3); c.600G>C, p.Gln200His (NM_001285399.3); c.570G>C, p.Gln190His (NM_001285400.3); c.636G>C, p.Gln212His (NM_001285401.3); c.519G>C, p.Gln173His (NM_001285402.2); c.612G>C, p.Gln204His (NM_001285403.4); short protein forms Q173H, Q212H, Q200H, Q152H, Q190H, Q204H, Q149H.
Identifiers: ClinVar variation 2178668 (VCV002178668.4), dbSNP rs137891232, ClinGen allele CA8328453.

ClinVar aggregate classification (germline): Uncertain significance (1 of 4 stars; one submission).

Conditions:
Leber congenital amaurosis 4 (LCA4). Identifiers: MedGen C1858386, MONDO:0011458, OMIM 604393.

Allele frequency attached by ClinVar (database versions not stated): ExAC 0.00001; gnomAD exomes 0.00001; TOPMed 0.00001; gnomAD 0.00002; ESP Exome Variant Server 0.00008.

Submission:

Labcorp Genetics (formerly Invitae), Labcorp
Classification: Uncertain significance for Leber congenital amaurosis 4. Last evaluated: 2024-12-10. Review status: criteria provided, single submitter. Criteria: Invitae Variant Classification Sherloc (09022015). Collection method: clinical testing. Allele origin: germline.
Comment: This sequence change replaces glutamine, which is neutral and polar, with histidine, which is basic and polar, at codon 212 of the AIPL1 protein (p.Gln212His). This variant is present in population databases (rs137891232, gnomAD 0.004%). This variant has not been reported in the literature in individuals affected with AIPL1-related conditions. ClinVar contains an entry for this variant (Variation ID: 2178668). Invitae Evidence Modeling of protein sequence and biophysical properties (such as structural, functional, and spatial information, amino acid conservation, physicochemical variation, residue mobility, and thermodynamic stability) indicates that this missense variant is expected to disrupt AIPL1 protein function with a positive predictive value of 95%. In summary, the available evidence is currently insufficient to determine the role of this variant in disease. Therefore, it has been classified as a Variant of Uncertain Significance.